The following is an entry in ClinVar:

ClinVar aggregate classification (germline): Likely benign (1 of 4 stars; one submission).

Submission:

CeGaT Center for Human Genetics Tuebingen
Classification: Likely benign. Last evaluated: 2026-02-01. Review status: criteria provided, single submitter. Criteria: CeGaT Center For Human Genetics Tuebingen Variant Classification Criteria Version 2. Collection method: clinical testing. Allele origin: germline. Affected: yes. Observed: 1 variant allele.
Comment: TRIO: PM2:Supporting, BP4, BP7

NM_007118.4(TRIO):c.6663T>C (p.Ser2221=)

Gene: TRIO (trio Rho guanine nucleotide exchange factor; plus strand). Cytogenetic location: 5p15.2.
Variant type: single nucleotide variant.
Coding change: c.6663T>C on transcript NM_007118.4 (MANE Select); coding-DNA position 6663, T replaced by C.
Protein change: p.Ser2221=; no amino-acid change (serine 2221 retained).
Molecular consequence: synonymous variant. On other transcripts: non-coding transcript variant (1).
Genome position (GRCh38, 1-based): chr5:14,485,074, T>C. VCF-style: chr5-14485074-T-C. GRCh37 (hg19) VCF-style: chr5-14485183-T-C.
Identifiers: ClinVar variation 4822075 (VCV004822075.4).